The following is an entry in ClinVar:

NM_001127644.2(GABRA1):c.807A>G (p.Gln269=)

Gene: GABRA1 (gamma-aminobutyric acid type A receptor subunit alpha1; plus strand). Cytogenetic location: 5q34.
Variant type: single nucleotide variant.
Coding change: c.807A>G on transcript NM_001127644.2 (MANE Select); coding-DNA position 807, A replaced by G.
Protein change: p.Gln269=; no amino-acid change (glutamine 269 retained).
Molecular consequence: synonymous variant.
Genome position (GRCh38, 1-based): chr5:161,891,001, A>G. VCF-style: chr5-161891001-A-G. GRCh37 (hg19) VCF-style: chr5-161318007-A-G.
Other names: c.807A>G, p.Gln269= (NM_000806.5, NM_001127643.2, NM_001127645.2 and 1 more transcripts).
Identifiers: ClinVar variation 4790604 (VCV004790604.1).

ClinVar aggregate classification (germline): Uncertain significance (1 of 4 stars; one submission).

Conditions:
Epilepsy, idiopathic generalized, susceptibility to, 13. Also called: EPILEPSY, JUVENILE MYOCLONIC, SUSCEPTIBILITY TO, 5. Identifiers: Orphanet 307, Orphanet 64280, MedGen C4013473, MONDO:0012627, OMIM 611136.
Epilepsy, childhood absence 4 (ECA4). Also called: EPILEPSY, CHILDHOOD ABSENCE, SUSCEPTIBILITY TO, 4. Identifiers: Orphanet 307, MedGen C1970160.
Idiopathic generalized epilepsy. Also called: EIG; Generalised epilepsy. Identifiers: MedGen C0270850, MONDO:0005579, OMIM 600669.

gnomAD v4.1: 1 of 1,613,908 alleles (0.000062%); highest among the groups gnomAD compares: Admixed American, 0.0017%; no homozygotes.

Submission:

Labcorp Genetics (formerly Invitae), Labcorp
Classification: Uncertain significance for Epilepsy, childhood absence 4; Epilepsy, idiopathic generalized, susceptibility to, 13; Idiopathic generalized epilepsy. Last evaluated: 2025-11-13. Review status: criteria provided, single submitter. Criteria: Invitae Variant Classification Sherloc (09022015). Collection method: clinical testing. Allele origin: germline.
Comment: This sequence change affects codon 269 of the GABRA1 mRNA. It is a 'silent' change, meaning that it does not change the encoded amino acid sequence of the GABRA1 protein. This variant is present in population databases (no rsID available, gnomAD 0.003%). This variant has not been reported in the literature in individuals affected with GABRA1-related conditions. Algorithms developed to predict the effect of sequence changes on RNA splicing suggest that this variant may disrupt the consensus splice site. In summary, the available evidence is currently insufficient to determine the role of this variant in disease. Therefore, it has been classified as a Variant of Uncertain Significance.